The following is an entry in ClinVar:

ClinVar aggregate classification (germline): Uncertain significance (1 of 4 stars; one submission).

Conditions:
Tuberous sclerosis 1 (TSC1). Identifiers: Orphanet 805, MedGen C1854465, MONDO:0008612, OMIM 191100.

Submission:

Labcorp Genetics (formerly Invitae), Labcorp
Classification: Uncertain significance for Tuberous sclerosis 1. Last evaluated: 2020-11-16. Review status: criteria provided, single submitter. Criteria: Invitae Variant Classification Sherloc (09022015). Collection method: clinical testing. Allele origin: germline.
Comment: In summary, the available evidence is currently insufficient to determine the role of this variant in disease. Therefore, it has been classified as a Variant of Uncertain Significance. Algorithms developed to predict the effect of missense changes on protein structure and function are either unavailable or do not agree on the potential impact of this missense change (SIFT: "Tolerated"; PolyPhen-2: "Possibly Damaging"; Align-GVGD: "Class C0"). This variant has not been reported in the literature in individuals with TSC1-related conditions. This variant is not present in population databases (ExAC no frequency). This sequence change replaces threonine with serine at codon 131 of the TSC1 protein (p.Thr131Ser). The threonine residue is moderately conserved and there is a small physicochemical difference between threonine and serine.

NM_000368.5(TSC1):c.391A>T (p.Thr131Ser)

Gene: TSC1 (TSC complex subunit 1; minus strand). Cytogenetic location: 9q34.13.
Variant type: single nucleotide variant.
Coding change: c.391A>T on transcript NM_000368.5 (MANE Select); coding-DNA position 391, A replaced by T.
Protein change: p.Thr131Ser; replaces threonine 131 with serine.
Molecular consequence: missense variant.
Genome position (GRCh38, 1-based): chr9:132,923,465, T>A on the plus strand (A>T on the coding strand, the complement: TSC1 is on the minus strand). VCF-style: chr9-132923465-T-A. GRCh37 (hg19) VCF-style: chr9-135798852-T-A.
Other names: c.391A>T, p.Thr131Ser (NM_001162426.2); c.238A>T, p.Thr80Ser (NM_001162427.2); c.28A>T, p.Thr10Ser (NM_001362177.2); short protein forms T131S, T80S, T10S.
Identifiers: ClinVar variation 942688 (VCV000942688.9), dbSNP rs1564499857, ClinGen allele CA375373651.